The following is an entry in ClinVar:

ClinVar aggregate classification (germline): Conflicting classifications of pathogenicity. Review status: criteria provided, conflicting classifications (1 of 4 stars). 3 submissions from 3 submitters: Likely pathogenic (2); Uncertain significance (1). Last evaluated 2024-07-21.

Conditions:
Familial adenomatous polyposis 2. Also called: MUTYH Polyposis; MYH-associated polyposis; Adenomas, multiple colorectal; COLORECTAL ADENOMATOUS POLYPOSIS, AUTOSOMAL RECESSIVE; ADENOMAS, MULTIPLE COLORECTAL, AUTOSOMAL RECESSIVE; FAP type 2. Identifiers: Orphanet 220460, Orphanet 247798, MedGen C3272841, MONDO:0012041, OMIM 608456.
Hereditary cancer-predisposing syndrome. Also called: Hereditary neoplastic syndrome; Neoplastic Syndromes, Hereditary; Tumor predisposition; Hereditary Cancer Syndrome. Identifiers: Orphanet 140162, MedGen C0027672, MeSH D009386, MONDO:0015356.

Submissions (3):

Labcorp Genetics (formerly Invitae), Labcorp
Classification: Likely pathogenic for Familial adenomatous polyposis 2. Last evaluated: 2024-07-21. Review status: criteria provided, single submitter. Criteria: Invitae Variant Classification Sherloc (09022015). Collection method: clinical testing. Allele origin: germline.
Comment: This sequence change affects a donor splice site in intron 1 of the MUTYH gene. It is expected to disrupt RNA splicing. Variants that disrupt the donor or acceptor splice site typically lead to a loss of protein function (PMID: 16199547), and loss-of-function variants in MUTYH are known to be pathogenic (PMID: 18534194, 20663686). This variant is not present in population databases (gnomAD no frequency). This variant has not been reported in the literature in individuals affected with MUTYH-related conditions. ClinVar contains an entry for this variant (Variation ID: 1733089). Algorithms developed to predict the effect of sequence changes on RNA splicing suggest that this variant may disrupt the consensus splice site. In summary, the currently available evidence indicates that the variant is pathogenic, but additional data are needed to prove that conclusively. Therefore, this variant has been classified as Likely Pathogenic.

All of Us Research Program, National Institutes of Health
Classification: Uncertain significance for Familial adenomatous polyposis 2. Last evaluated: 2023-12-18. Review status: criteria provided, single submitter. Criteria: ACMG Guidelines, 2015. Collection method: clinical testing. Allele origin: germline. Inheritance: Autosomal recessive inheritance. Observed: 1 variant allele, 1 heterozygote.
Comment: This variant causes a T>C nucleotide substitution at the +2 position of intron 1 of the MUTYH gene. Splice site prediction tools suggest that this variant may have a significant impact on RNA splicing, although this prediction has not been confirmed in published RNA studies. An in-frame methionine at amino acid 15 may allow for translational rescue of this variant. This may result in the loss of the mitochondrial targeting sequence, but the clinical significance of this is unknown as use of Met15 would still allow for MUTYH expression in the nucleus (PMID: 30716719, 32821650). This variant has not been reported in individuals affected with MUTYH-related conditions in the literature. This variant has not been identified in the general population by the Genome Aggregation Database (gnomAD). The available evidence is insufficient to determine the role of this variant in disease conclusively. Therefore, this variant is classified as a Variant of Uncertain Significance.

This study involves interpretation of variants in research participants for the purpose of population health screening. Participant phenotype was not available at the time of variant classification. Additional details can be found in publication PMID: 35346344, PMCID: PMC8962531

Ambry Genetics
Classification: Likely pathogenic for Hereditary cancer-predisposing syndrome. Last evaluated: 2023-01-26. Review status: criteria provided, single submitter. Criteria: Ambry Variant Classification Scheme 2023. Collection method: clinical testing. Allele origin: germline.
Comment: The c.36+2T>C intronic variant results from a T to C substitution two nucleotides after coding exon 1 in the MUTYH gene. This nucleotide position is conserved in primates but not well conserved in other available vertebrate species. In silico splice site analysis predicts that this alteration will weaken the native splice donor site and will result in the creation or strengthening of a novel splice donor site. RNA studies have demonstrated that this alteration results in abnormal splicing in the set of samples tested (Ambry internal data). Based on the majority of available evidence to date, this variant is likely to be pathogenic.

Literature cited by the submitters: PubMed 16199547 (cited by Labcorp Genetics (formerly Invitae), Labcorp); PubMed 18534194 (cited by Labcorp Genetics (formerly Invitae), Labcorp); PubMed 20663686 (cited by Labcorp Genetics (formerly Invitae), Labcorp); PubMed 30716719 (cited by All of Us Research Program, National Institutes of Health); PubMed 32821650 (cited by All of Us Research Program, National Institutes of Health).

NM_001128425.2(MUTYH):c.36+2T>C

Genes: MUTYH (mutY DNA glycosylase; minus strand), TOE1 (target of EGR1, exonuclease; plus strand). Cytogenetic location: 1p34.1.
Variant type: single nucleotide variant.
Coding change: c.36+2T>C on transcript NM_001128425.2 (MANE Plus Clinical); the canonical splice donor site of the intron after coding-DNA position 36, T replaced by C.
Molecular consequence: splice donor variant. On other transcripts: 5 prime UTR variant (3), intron variant (1).
Genome position (GRCh38, 1-based): chr1:45,340,217, A>G on the plus strand (T>C on the coding strand, the complement: MUTYH is on the minus strand). VCF-style: chr1-45340217-A-G. GRCh37 (hg19) VCF-style: chr1-45805889-A-G.
Other names: c.-36A>G (NM_025077.4); c.-21T>C (NM_001407070.1, NM_001407071.1); c.-7+6T>C (NM_001407072.1); c.-214+2T>C (NM_001350651.2); c.-219+2T>C (NM_001293192.2); c.-278+2T>C (NM_001350650.2); c.36+2T>C (NM_001407073.1, NM_001293190.2, NM_001407069.1 and 1 more transcripts); c.-7+2T>C (NM_001048171.2).
Identifiers: ClinVar variation 1733089 (VCV001733089.6), dbSNP rs2149248633, ClinGen allele CA340137819.
Genomic context (GRCh38, chr1:45,340,217, plus strand): 5'-GACCCCGCCCCATCCCCGACTGCCTGAACCGCGCCAGGAGACGGACCGCAAGTCCAGCGT[A>G]CCCACAGACGACTCAGGCGGGAGACGAGCGGTGTCATGGCCGCCGACAGTGACGATGGCG-3'